The following is an entry in ClinVar:

NM_000440.3(PDE6A):c.2323G>A (p.Gly775Ser)

Gene: PDE6A (phosphodiesterase 6A; minus strand). Cytogenetic location: 5q32.
Variant type: single nucleotide variant.
Coding change: c.2323G>A on transcript NM_000440.3 (MANE Select); coding-DNA position 2323, G replaced by A.
Protein change: p.Gly775Ser; replaces glycine 775 with serine.
Molecular consequence: missense variant.
Genome position (GRCh38, 1-based): chr5:149,866,205, C>T on the plus strand (G>A on the coding strand, the complement: PDE6A is on the minus strand). VCF-style: chr5-149866205-C-T. GRCh37 (hg19) VCF-style: chr5-149245768-C-T.
Other names: c.2323G>A (NM_000440.2); c.2080G>A, p.Gly694Ser (NM_001410788.1); short protein forms G694S, G775S.
Identifiers: ClinVar variation 4972463 (VCV004972463.2).

ClinVar aggregate classification (germline): Uncertain significance. Review status: criteria provided, multiple submitters, no conflicts (2 of 4 stars). 2 submissions from 2 submitters: Uncertain significance (2). Last evaluated 2025-12-30.

Conditions:
PDE6A-related disorder. Also called: PDE6A-related condition.

gnomAD v4.1: 16 of 1,614,112 alleles (0.00099%); highest among the groups gnomAD compares: Admixed American, 0.005%; no homozygotes.

Submissions (2):

PreventionGenetics, part of Exact Sciences
Classification: Uncertain significance for PDE6A-related condition. Last evaluated: 2025-12-30. Review status: criteria provided, single submitter. Criteria: ACMG Guidelines, 2015. Collection method: clinical testing. Allele origin: germline.
Comment: The PDE6A c.2323G>A variant is predicted to result in the amino acid substitution p.Gly775Ser. To our knowledge, this variant has not been reported in the literature. This variant is reported in 0.010% of alleles in individuals of East Asian descent in gnomAD. At this time, the clinical significance of this variant is uncertain due to the absence of conclusive functional and genetic evidence.

Blueprint Genetics
Classification: Uncertain significance. Last evaluated: 2024-03-07. Review status: criteria provided, single submitter. Criteria: ACMG Guidelines, 2015. Collection method: clinical testing. Allele origin: germline.